The following is an entry in ClinVar:

NM_001040616.3(LINS1):c.2020dup (p.Ser674fs)

Gene: LINS1 (lines homolog 1; minus strand). Cytogenetic location: 15q26.3.
Variant type: Duplication.
Coding change: c.2020dup on transcript NM_001040616.3 (MANE Select); coding-DNA position 2020, one base duplicated (A; older notation c.2020dupA).
Protein change: p.Ser674fs; shifts the reading frame from serine 674.
Molecular consequence: frameshift variant. On other transcripts: non-coding transcript variant (3).
Genome position (GRCh38, 1-based): chr15:100,569,492, T duplicated on the plus strand (A on the coding strand, the reverse complement: LINS1 is on the minus strand). VCF-style (leftmost placement, unchanged base first): chr15-100569491-C-CT. GRCh37 (hg19) VCF-style: chr15-101109696-C-CT.
Other names: c.1273dup, p.Ser425fs (NM_001352507.2); c.1867dup, p.Ser623fs (NM_001352508.2); c.2020dupA (NM_001040616.2); c.2020dup (NM_001040616.2); short protein forms S425fs, S623fs, S674fs.
Identifiers: ClinVar variation 985554 (VCV000985554.5), dbSNP rs1261920708, ClinGen allele CA710615279.
Genomic context (GRCh38, chr15:100,569,491, plus strand): 5'-TCAAAGGAGAAGGCAGTATCAAATTCTTTCAGAACCAGAGGCCTTGATGGAGGCTCAAGG[C>CT]TAAATTCTTTTTTATCCCTGCTTGTCCCAGCTGCATCCTGAATCTCCTTAGTTGCTTGCT-3'

ClinVar aggregate classification (germline): Likely pathogenic. Review status: criteria provided, multiple submitters, no conflicts (2 of 4 stars). 2 submissions from 2 submitters: Likely pathogenic (2). Last evaluated 2023-05-26.

Conditions:
Inborn genetic diseases. Identifiers: MedGen C0950123, MeSH D030342.

Allele frequency attached by ClinVar (database versions not stated): gnomAD 0.00001; gnomAD exomes 0.00003; TOPMed below 0.00001.

Submissions (2):

GeneDx
Classification: Likely pathogenic. Last evaluated: 2023-05-26. Review status: criteria provided, single submitter. Criteria: GeneDx Variant Classification Process June 2021. Collection method: clinical testing. Allele origin: germline. Affected: yes.
Comment: Reported, along with a second LINS1 variant, in a patient with epilepsy (Helbig et al., 2016; Farwell et al., 2015); Frameshift variant predicted to result in protein truncation, as the last 84 amino acids are replaced with 2 different amino acids, and other loss-of-function variants have been reported downstream in HGMD; Not observed at significant frequency in large population cohorts (gnomAD); This variant is associated with the following publications: (PMID: 25356970, 26795593)

Ambry Genetics
Classification: Likely pathogenic for Inborn genetic diseases. Last evaluated: 2020-04-16. Review status: criteria provided, single submitter. Criteria: Ambry Variant Classification Scheme 2023. Collection method: clinical testing. Allele origin: germline.
Comment: The alteration results in a premature stop codon: _x000D_ _x000D_ The c.2020dupA (p.S674Kfs*3) alteration, located in exon 7 (coding exon 6) of the LINS gene, results from a duplication of A at position 2020, causing a translational frameshift with a predicted alternate stop codon after 3 amino acids. Frameshifts are typically deleterious in nature; however, this frameshift occurs at the 3' terminus of LINS, is not expected to trigger nonsense-mediated mRNA decay, and a truncated mutant protein could still be expressed (Maquat, 2004). This alteration impacts the last 84 amino acids of the protein and the exact functional impact of these altered amino acids is unknown at this time. The alteration is rare in population databases:_x000D_ _x000D_ Based on data from the Genome Aggregation Database (gnomAD), the LINS c.2020dupA alteration was observed in 0.003% (1/31382) of total alleles studied. Based on the available evidence, this alteration is classified as likely pathogenic.